The following is an entry in ClinVar:

NM_001164508.2(NEB):c.9483G>A (p.Val3161=)

Gene: NEB (nebulin; minus strand). Cytogenetic location: 2q23.3.
Variant type: single nucleotide variant.
Coding change: c.9483G>A on transcript NM_001164508.2 (MANE Select); coding-DNA position 9483, G replaced by A.
Protein change: p.Val3161=; no amino-acid change (valine 3161 retained).
Molecular consequence: synonymous variant. On other transcripts: intron variant (1).
Genome position (GRCh38, 1-based): chr2:151,631,278, C>T on the plus strand (G>A on the coding strand, the complement: NEB is on the minus strand). VCF-style: chr2-151631278-C-T. GRCh37 (hg19) VCF-style: chr2-152487792-C-T.
Other names: c.9483G>A, p.Val3161= (NM_001164507.2, NM_001271208.2); c.8854-100G>A (NM_004543.5).
Identifiers: ClinVar variation 511992 (VCV000511992.7), dbSNP rs1369814853, ClinGen allele CA429240379.
Genomic context (GRCh38, chr2:151,631,278, plus strand): 5'-GTCCGGAGGCTGGCGGTAGATGTTATCACTCAGTATTTCGGTAGCTCTCTTGCACTTGAC[C>T]ACATCCATAGACCCAATGGGGACCCAGCCAATGCCTCTCAGCCACTGGAGATCTGACTTG-3'
Protein context (NP_001157980.2, residues 3151-3171): IGWVPIGSMD[Val3161=]VKCKRATEIL

ClinVar aggregate classification (germline): Likely benign. Review status: criteria provided, multiple submitters, no conflicts (2 of 4 stars). 2 submissions from 2 submitters: Likely benign (2). Last evaluated 2023-07-29.

Conditions:
Nemaline myopathy 2 (NEM2). Also called: Nemaline myopathy 2, autosomal recessive. Identifiers: MedGen C1850569, MONDO:0009725, OMIM 256030.

Allele frequency attached by ClinVar (database versions not stated): gnomAD 0.00001; gnomAD exomes 0.00001; TOPMed 0.00001.
gnomAD v4.1: 20 of 1,613,760 alleles (0.0012%); highest among the groups gnomAD compares: Non-Finnish European, 0.0017%; no homozygotes.

Submissions (2):

Labcorp Genetics (formerly Invitae), Labcorp
Classification: Likely benign for Nemaline myopathy 2. Last evaluated: 2023-07-29. Review status: criteria provided, single submitter. Criteria: Invitae Variant Classification Sherloc (09022015). Collection method: clinical testing. Allele origin: germline.

GeneDx
Classification: Likely benign. Last evaluated: 2017-09-11. Review status: criteria provided, single submitter. Criteria: GeneDx Variant Classification (06012015). Collection method: clinical testing. Allele origin: germline. Affected: yes.
Comment: This variant is considered likely benign or benign based on one or more of the following criteria: it is a conservative change, it occurs at a poorly conserved position in the protein, it is predicted to be benign by multiple in silico algorithms, and/or has population frequency not consistent with disease.